The following is an entry in ClinVar:

ClinVar aggregate classification (germline): Benign/Likely benign. Review status: criteria provided, multiple submitters, no conflicts (2 of 4 stars). 5 submissions from 5 submitters: Benign (2); Likely benign (2). 1 of the submissions does not count toward it. Last evaluated 2026-02-04.

Conditions:
Wolman disease (WOLD). Also called: Acid cholesteryl ester hydrolase deficiency, Wolman type; Acid lipase disease; Infantile-Onset LAL-D (Wolman Disease); LYSOSOMAL ACID LIPASE DEFICIENCY, ACUTE INFANTILE; LYSOSOMAL ACID LIPASE DEFICIENCY, COMPLETE; LIPA DEFICIENCY, COMPLETE. Identifiers: Orphanet 75233, MedGen C0043208, MONDO:0019148, OMIM 620151.
Lysosomal acid lipase deficiency. Also called: Acid cholesteryl ester hydrolase deficiency, type 2. Identifiers: Orphanet 275761, MedGen C5574740, MONDO:0800449, MONDO:0010204.

Allele frequency attached by ClinVar (database versions not stated): gnomAD exomes 0.00059 and 0.00149; ExAC 0.00192; 1000 Genomes Project 30x 0.00312; 1000 Genomes Project 0.00319; gnomAD 0.00507 and 0.00545; TOPMed 0.00611; ESP Exome Variant Server 0.00615.
gnomAD v4.1: 1,669 of 1,590,954 alleles (0.1%); highest among the groups gnomAD compares: African/African-American, 1.9%; 16 homozygotes.

Submissions (5):

Labcorp Genetics (formerly Invitae), Labcorp
Classification: Benign for Wolman disease. Last evaluated: 2026-02-04. Review status: criteria provided, single submitter. Criteria: Invitae Variant Classification Sherloc (09022015). Collection method: clinical testing. Allele origin: germline.

Blueprint Genetics
Classification: Likely benign. Last evaluated: 2024-11-13. Review status: criteria provided, single submitter. Criteria: ACMG Guidelines, 2015. Collection method: clinical testing. Allele origin: germline.

Mayo Clinic Laboratories, Mayo Clinic
Classification: Benign. Last evaluated: 2024-05-21. Review status: criteria provided, single submitter. Criteria: ACMG Guidelines, 2015. Collection method: clinical testing. Allele origin: germline. Observed: 6 variant alleles.
Comment: BA1, BP4, BP7

GeneDx
Classification: Likely benign. Last evaluated: 2018-11-06. Review status: criteria provided, single submitter. Criteria: GeneDx Variant Classification Process June 2021. Collection method: clinical testing. Allele origin: germline. Affected: yes.

Natera, Inc.
Classification: Benign for Lysosomal acid lipase deficiency. Last evaluated: 2020-09-16. Review status: no assertion criteria provided. Collection method: clinical testing. Allele origin: germline. Not counted in ClinVar's aggregate classification.

NM_000235.4(LIPA):c.894+7A>G

Gene: LIPA (lipase A, lysosomal acid type; minus strand). Cytogenetic location: 10q23.31.
Variant type: single nucleotide variant.
Coding change: c.894+7A>G on transcript NM_000235.4 (MANE Select); 7 bases into the intron after coding-DNA position 894, A replaced by G.
Molecular consequence: intron variant.
Genome position (GRCh38, 1-based): chr10:89,222,504, T>C on the plus strand (A>G on the coding strand, the complement: LIPA is on the minus strand). VCF-style: chr10-89222504-T-C. GRCh37 (hg19) VCF-style: chr10-90982261-T-C.
Other names: p.?; c.546+7A>G (NM_001288979.2); c.894+7A>G (NM_001127605.3).
Identifiers: ClinVar variation 791673 (VCV000791673.18), dbSNP rs12255537, ClinGen allele CA5593580.